The following is an entry in ClinVar:

ClinVar aggregate classification (germline): Benign/Likely benign. Review status: criteria provided, multiple submitters, no conflicts (2 of 4 stars). 4 submissions from 4 submitters: Benign (1); Likely benign (3). Last evaluated 2025-12-30.

Allele frequency attached by ClinVar (database versions not stated): gnomAD exomes 0.00012 and 0.00026; 1000 Genomes Project 0.00040; 1000 Genomes Project 30x 0.00047; ExAC 0.00069; ESP Exome Variant Server 0.00091; gnomAD 0.00100 and 0.00109; TOPMed 0.00134.
gnomAD v4.1: 322 of 1,568,618 alleles (0.021%); highest among the groups gnomAD compares: African/African-American, 0.39%; 1 homozygote.

Submissions (4):

Labcorp Genetics (formerly Invitae), Labcorp
Classification: Benign. Last evaluated: 2025-12-30. Review status: criteria provided, single submitter. Criteria: Invitae Variant Classification Sherloc (09022015). Collection method: clinical testing. Allele origin: germline.

CeGaT Center for Human Genetics Tuebingen
Classification: Likely benign. Last evaluated: 2025-09-01. Review status: criteria provided, single submitter. Criteria: CeGaT Center For Human Genetics Tuebingen Variant Classification Criteria Version 2. Collection method: clinical testing. Allele origin: germline. Affected: yes. Observed: 2 variant alleles.
Comment: CACNA1B: BP4, BP7

Blueprint Genetics
Classification: Likely benign. Last evaluated: 2024-02-16. Review status: criteria provided, single submitter. Criteria: ACMG Guidelines, 2015. Collection method: clinical testing. Allele origin: germline.

Breakthrough Genomics
Classification: Likely benign. Review status: criteria provided, single submitter. Criteria: ACMG Guidelines, 2015. Collection method: not provided. Allele origin: germline. Inheritance: Autosomal recessive inheritance. Affected: yes.

NM_000718.4(CACNA1B):c.6432C>T (p.Ser2144=)

Gene: CACNA1B (calcium voltage-gated channel subunit alpha1 B; plus strand). Cytogenetic location: 9q34.3.
Variant type: single nucleotide variant.
Coding change: c.6432C>T on transcript NM_000718.4 (MANE Select); coding-DNA position 6432, C replaced by T.
Protein change: p.Ser2144=; no amino-acid change (serine 2144 retained).
Molecular consequence: synonymous variant.
Genome position (GRCh38, 1-based): chr9:138,120,824, C>T. VCF-style: chr9-138120824-C-T. GRCh37 (hg19) VCF-style: chr9-141015276-C-T.
Other names: c.6432C>T, p.Ser2144= (NM_001243812.2).
Identifiers: ClinVar variation 1590524 (VCV001590524.41), dbSNP rs201409760, ClinGen allele CA5377709.